The following is an entry in ClinVar:

NM_177438.3(DICER1):c.5401G>C (p.Asp1801His)

Gene: DICER1 (dicer 1, ribonuclease III; minus strand). Cytogenetic location: 14q32.13.
Variant type: single nucleotide variant.
Coding change: c.5401G>C on transcript NM_177438.3 (MANE Select); coding-DNA position 5401, G replaced by C.
Protein change: p.Asp1801His; replaces aspartic acid 1801 with histidine.
Molecular consequence: missense variant. On other transcripts: intron variant (1).
Genome position (GRCh38, 1-based): chr14:95,091,329, C>G on the plus strand (G>C on the coding strand, the complement: DICER1 is on the minus strand). VCF-style: chr14-95091329-C-G. GRCh37 (hg19) VCF-style: chr14-95557666-C-G.
Other names: c.5401G>C, p.Asp1801His (NM_001271282.3, NM_001291628.2, NM_030621.4); c.5365-220G>C (NM_001195573.1); short protein forms D1801H.
Identifiers: ClinVar variation 954920 (VCV000954920.11), dbSNP rs1889813632, ClinGen allele CA390864740.
Genomic context (GRCh38, chr14:95,091,329, plus strand): 5'-TGTAAATGGCACCAGCAAGCGACTCAAAAATATCCCCCATGGCCTTTGGAACTTCAATAT[C>G]CTCTTCTTTCTCTTCATCCTCCTCAGATCTCCTAAGCTATTACAGAGGGAAAAGTGACTT-3'
Protein context (NP_803187.1, residues 1791-1811): RSEEDEEKEE[Asp1801His]IEVPKAMGDI

ClinVar aggregate classification (germline): Uncertain significance (1 of 4 stars; one submission).

Conditions:
DICER1-related tumor predisposition. Also called: DICER1 syndrome; DICER1-related pleuropulmonary blastoma cancer predisposition syndrome. Identifiers: Orphanet 284343, MedGen C3839822, MONDO:0100216.

Submission:

Labcorp Genetics (formerly Invitae), Labcorp
Classification: Uncertain significance for DICER1-related tumor predisposition. Last evaluated: 2022-07-19. Review status: criteria provided, single submitter. Criteria: Invitae Variant Classification Sherloc (09022015). Collection method: clinical testing. Allele origin: germline.
Comment: In summary, the available evidence is currently insufficient to determine the role of this variant in disease. Therefore, it has been classified as a Variant of Uncertain Significance. Algorithms developed to predict the effect of missense changes on protein structure and function (SIFT, PolyPhen-2, Align-GVGD) all suggest that this variant is likely to be disruptive. ClinVar contains an entry for this variant (Variation ID: 954920). This variant has not been reported in the literature in individuals affected with DICER1-related conditions. This variant is not present in population databases (gnomAD no frequency). This sequence change replaces aspartic acid, which is acidic and polar, with histidine, which is basic and polar, at codon 1801 of the DICER1 protein (p.Asp1801His).